The following is an entry in ClinVar:

NC_012920.1(MT-CO3):m.9631T>C

Gene: MT-CO3 (mitochondrially encoded cytochrome c oxidase III; plus strand).
Variant type: single nucleotide variant.
Genome position: chrM-9631-T-C.
Identifiers: ClinVar variation 693194 (VCV000693194.1), dbSNP rs1603222406, ClinGen allele CA414803357.
Genomic context (GRCh38, chrMT:9,631, plus strand): 5'-CCCCGCTAAATCCCCTAGAAGTCCCACTCCTAAACACATCCGTATTACTCGCATCAGGAG[T>C]ATCAATCACCTGAGCTCACCATAGTCTAATAGAAAACAACCGAAACCAAATAATTCAAGC-3'

ClinVar aggregate classification (germline): Uncertain significance (1 of 4 stars; one submission).

Conditions:
Leigh syndrome (NULS). Also called: Leigh's necrotizing encephalopathy; Leigh's disease; Leigh Syndrome (mtDNA deletion); Leigh Disease; Subacute necrotizing encephalopathy; Necrotizing encephalopathy infantile subacute of Leigh. Identifiers: Orphanet 506, MedGen C2931891, MONDO:0009723, OMIM 256000.

Submission:

Wong Mito Lab, Molecular and Human Genetics, Baylor College of Medicine
Classification: Uncertain significance for Leigh syndrome. Last evaluated: 2019-10-17. Review status: criteria provided, single submitter. Criteria: Modified ACMG Guidelines (Unpublished). Collection method: clinical testing. Allele origin: germline.
Comment: The NC_012920.1:m.9631T>C (YP_003024032.1:p.Val142Ala) variant in MTCO3 gene is interpretated to be a Uncertain Significance variant based on the modified ACMG guidelines (unpublished). This variant meets the following evidence codes: BP4